The following is an entry in ClinVar:

ClinVar aggregate classification (germline): Benign/Likely benign. Review status: criteria provided, multiple submitters, no conflicts (2 of 4 stars). 4 submissions from 4 submitters: Benign (2); Likely benign (2). Last evaluated 2026-09-01.

Allele frequency attached by ClinVar (database versions not stated): 1000 Genomes Project 30x 0.00406; 1000 Genomes Project 0.00479; gnomAD exomes 0.00811 and 0.01184; TOPMed 0.00830; gnomAD 0.00839 and 0.00877; ExAC 0.00854; ESP Exome Variant Server 0.00953.
gnomAD v4.1: 18,403 of 1,613,828 alleles (1.1%); highest among the groups gnomAD compares: Non-Finnish European, 1.4%; 124 homozygotes.

Submissions (4):

CeGaT Center for Human Genetics Tuebingen
Classification: Benign. Last evaluated: 2026-09-01. Review status: criteria provided, single submitter. Criteria: CeGaT Center For Human Genetics Tuebingen Variant Classification Criteria Version 2. Collection method: clinical testing. Allele origin: germline. Affected: yes. Observed: 3 variant alleles.
Comment: NUP205: BP4, BS1, BS2

Labcorp Genetics (formerly Invitae), Labcorp
Classification: Benign. Last evaluated: 2025-12-24. Review status: criteria provided, single submitter. Criteria: Invitae Variant Classification Sherloc (09022015). Collection method: clinical testing. Allele origin: germline.

GeneDx
Classification: Likely benign. Last evaluated: 2021-09-23. Review status: criteria provided, single submitter. Criteria: GeneDx Variant Classification Process June 2021. Collection method: clinical testing. Allele origin: germline. Affected: yes.

Breakthrough Genomics
Classification: Likely benign. Review status: criteria provided, single submitter. Criteria: ACMG Guidelines, 2015. Collection method: not provided. Allele origin: germline. Inheritance: Autosomal recessive inheritance. Affected: yes.

NM_015135.3(NUP205):c.786C>T (p.Gly262=)

Gene: NUP205 (nucleoporin 205; plus strand). Cytogenetic location: 7q33.
Variant type: single nucleotide variant.
Coding change: c.786C>T on transcript NM_015135.3 (MANE Select); coding-DNA position 786, C replaced by T.
Protein change: p.Gly262=; no amino-acid change (glycine 262 retained).
Molecular consequence: synonymous variant. On other transcripts: 5 prime UTR variant (1).
Genome position (GRCh38, 1-based): chr7:135,577,933, C>T. VCF-style: chr7-135577933-C-T. GRCh37 (hg19) VCF-style: chr7-135262681-C-T.
Other names: c.-300C>T (NM_001329434.2).
Identifiers: ClinVar variation 770377 (VCV000770377.40), dbSNP rs12707242, ClinGen allele CA4497932.